The following is an entry in ClinVar:

NM_000368.5(TSC1):c.2806C>T (p.Gln936Ter)

Gene: TSC1 (TSC complex subunit 1; minus strand). Cytogenetic location: 9q34.13.
Variant type: single nucleotide variant.
Coding change: c.2806C>T on transcript NM_000368.5 (MANE Select); coding-DNA position 2806, C replaced by T.
Protein change: p.Gln936Ter; replaces glutamine 936 with a stop codon.
Molecular consequence: nonsense.
Genome position (GRCh38, 1-based): chr9:132,897,430, G>A on the plus strand (C>T on the coding strand, the complement: TSC1 is on the minus strand). VCF-style: chr9-132897430-G-A. GRCh37 (hg19) VCF-style: chr9-135772817-G-A.
Other names: c.2803C>T, p.Gln935Ter (NM_001162426.2); c.2653C>T, p.Gln885Ter (NM_001162427.2); c.2443C>T, p.Gln815Ter (NM_001362177.2); short protein forms Q936*, Q885*, Q815*, Q935*.
Identifiers: ClinVar variation 49002 (VCV000049002.12), dbSNP rs118203735, ClinGen allele CA007024.

ClinVar aggregate classification (germline): Pathogenic/Likely pathogenic. Review status: criteria provided, multiple submitters, no conflicts (2 of 4 stars). 7 submissions from 7 submitters: Pathogenic (5); Likely pathogenic (1). 1 of the submissions does not count toward it. Last evaluated 2025-03-09.

Conditions:
Tuberous sclerosis syndrome (TSC). Also called: Tuberous Sclerosis Complex; Tuberous sclerosis. Identifiers: Orphanet 805, MedGen C0041341, MONDO:0001734.
Tuberous sclerosis 1 (TSC1). Identifiers: Orphanet 805, MedGen C1854465, MONDO:0008612, OMIM 191100.

Submissions (7):

Labcorp Genetics (formerly Invitae), Labcorp
Classification: Pathogenic for Tuberous sclerosis 1. Last evaluated: 2025-03-09. Review status: criteria provided, single submitter. Criteria: Invitae Variant Classification Sherloc (09022015). Collection method: clinical testing. Allele origin: germline.
Comment: This sequence change creates a premature translational stop signal (p.Gln936*) in the TSC1 gene. It is expected to result in an absent or disrupted protein product. Loss-of-function variants in TSC1 are known to be pathogenic (PMID: 10227394, 17304050). This variant is not present in population databases (gnomAD no frequency). This premature translational stop signal has been observed in individual(s) with tuberous sclerosis complex (PMID: 36232477). ClinVar contains an entry for this variant (Variation ID: 49002). For these reasons, this variant has been classified as Pathogenic.

GeneDx
Classification: Pathogenic. Last evaluated: 2023-05-15. Review status: criteria provided, single submitter. Criteria: GeneDx Variant Classification Process June 2021. Collection method: clinical testing. Allele origin: germline. Affected: yes.
Comment: Nonsense variant predicted to result in protein truncation or nonsense mediated decay in a gene for which loss of function is a known mechanism of disease; Not observed at significant frequency in large population cohorts (gnomAD); Has not been previously published as pathogenic or benign to our knowledge

Division of Genomic Medicine, Department of Advanced Medicine, Medical Research Institute, Kanazawa Medical University
Classification: Pathogenic for Tuberous sclerosis 1. Last evaluated: 2022-07-17. Review status: criteria provided, single submitter. Criteria: ACMG Guidelines, 2015. Collection method: clinical testing. Allele origin: germline. Affected: yes. Observed: 1 variant allele.

Genome-Nilou Lab
Classification: Pathogenic for Tuberous sclerosis 1. Last evaluated: 2021-11-07. Review status: criteria provided, single submitter. Criteria: ACMG Guidelines, 2015. Collection method: clinical testing. Allele origin: germline. Affected: no.

Institute of Human Genetics, University of Leipzig Medical Center
Classification: Likely pathogenic for Tuberous sclerosis 1. Last evaluated: 2018-05-08. Review status: criteria provided, single submitter. Criteria: ACMG Guidelines, 2015. Collection method: clinical testing. Allele origin: germline. Affected: yes. Observed: 1 variant allele.

Clinical Genetics Service, Universitary Hospital 12 de Octubre
Classification: Pathogenic for Tuberous sclerosis 1. Review status: criteria provided, single submitter. Criteria: ACMG Guidelines, 2015. Collection method: clinical testing. Allele origin: germline. Affected: yes.

Tuberous sclerosis database (TSC1)
No classification provided. Condition: TSC. Review status: no classification provided. Criteria: Tuberous Sclerosis Database Assertion Criteria 2015. Collection method: curation. Allele origin: germline. Affected: yes. Not counted in ClinVar's aggregate classification.

Literature cited by the submitters: PubMed 10227394 (cited by Labcorp Genetics (formerly Invitae), Labcorp); PubMed 17304050 (cited by Labcorp Genetics (formerly Invitae), Labcorp); PubMed 36232477 (cited by Labcorp Genetics (formerly Invitae), Labcorp).